The following is an entry in ClinVar:

ClinVar aggregate classification (germline): Benign/Likely benign. Review status: criteria provided, multiple submitters, no conflicts (2 of 4 stars). 4 submissions from 4 submitters: Benign (1); Likely benign (2). 1 of the submissions does not count toward it. Last evaluated 2024-11-11.

Conditions:
MYO15A-related disorder. Also called: MYO15A-related condition.

Allele frequency attached by ClinVar (database versions not stated): gnomAD 0.00005 and 0.00006; gnomAD exomes 0.00008 and 0.00042; TOPMed 0.00015; 1000 Genomes Project 0.00020; 1000 Genomes Project 30x 0.00031; ExAC 0.00037.
gnomAD v4.1: 123 of 1,614,186 alleles (0.0076%); highest among the groups gnomAD compares: Admixed American, 0.18%; no homozygotes.

Submissions (4):

Labcorp Genetics (formerly Invitae), Labcorp
Classification: Benign. Last evaluated: 2024-11-11. Review status: criteria provided, single submitter. Criteria: Invitae Variant Classification Sherloc (09022015). Collection method: clinical testing. Allele origin: germline.

Blueprint Genetics
Classification: Likely benign. Last evaluated: 2024-08-30. Review status: criteria provided, single submitter. Criteria: ACMG Guidelines, 2015. Collection method: clinical testing. Allele origin: germline.

GeneDx
Classification: Likely benign. Last evaluated: 2020-09-15. Review status: criteria provided, single submitter. Criteria: GeneDx Variant Classification Process June 2021. Collection method: clinical testing. Allele origin: germline. Affected: yes.

PreventionGenetics, part of Exact Sciences
Classification: Likely benign for MYO15A-related condition. Last evaluated: 2019-08-13. Review status: no assertion criteria provided. Collection method: clinical testing. Allele origin: germline. Not counted in ClinVar's aggregate classification.
Comment: This variant is classified as likely benign based on ACMG/AMP sequence variant interpretation guidelines (Richards et al. 2015 PMID: 25741868, with internal and published modifications).

NM_016239.4(MYO15A):c.10227C>T (p.Ser3409=)

Gene: MYO15A (myosin XVA; plus strand). Cytogenetic location: 17p11.2.
Variant type: single nucleotide variant.
Coding change: c.10227C>T on transcript NM_016239.4 (MANE Select); coding-DNA position 10227, C replaced by T.
Protein change: p.Ser3409=; no amino-acid change (serine 3409 retained).
Molecular consequence: synonymous variant.
Genome position (GRCh38, 1-based): chr17:18,172,167, C>T. VCF-style: chr17-18172167-C-T. GRCh37 (hg19) VCF-style: chr17-18075481-C-T.
Identifiers: ClinVar variation 722271 (VCV000722271.13), dbSNP rs199520412, ClinGen allele CA8425853.
Genomic context (GRCh38, chr17:18,172,167, plus strand): 5'-GTCAGTGAGCCCTGCCCAGCACGTAACTGCCACCCCCTCTCCCTGCCCAGGCCTCCTCAG[C>T]GCCTTACCTATGTTCGGCTCCTCCTTCTTCTTCATCCAGAGCTGCAGCAACATTGCTGTG-3'
Protein context (NP_057323.3, residues 3399-3419): QARAQFLGLL[Ser3409=]ALPMFGSSFF